The following is an entry in ClinVar:

ClinVar aggregate classification (germline): Conflicting classifications of pathogenicity. Review status: criteria provided, conflicting classifications (1 of 4 stars). 6 submissions from 6 submitters: Uncertain significance (5); Likely benign (1). Last evaluated 2026-08-28.

Conditions:
Hereditary cancer-predisposing syndrome. Also called: Neoplastic Syndromes, Hereditary; Hereditary Cancer Syndrome; Tumor predisposition; Hereditary neoplastic syndrome. Identifiers: Orphanet 140162, MedGen C0027672, MeSH D009386, MONDO:0015356.
Euthyroid goiter (MNG1). Also called: Goiter, multinodular 1, with or without Sertoli-Leydig cell tumors; MULTINODULAR GOITER, ADOLESCENT; SIMPLE GOITER; GOITER, NONTOXIC, WITH INTRATHYROIDAL CALCIFICATION. Identifiers: Orphanet 276399, MedGen C0302859, MONDO:0007681, OMIM 138800, HP:0009798.
Pleuropulmonary blastoma (PPB). Identifiers: Orphanet 64742, MedGen C1266144, MONDO:0011014, OMIM 601200, HP:0100528.
Global developmental delay - lung cysts - overgrowth - Wilms tumor syndrome. Also called: GLOBAL DEVELOPMENTAL DELAY, LUNG CYSTS, OVERGROWTH, AND WILMS TUMOR; GLOW Syndrome. Identifiers: Orphanet 404476, MedGen C4748924, MONDO:0018445, OMIM 618272.
Rhabdomyosarcoma, embryonal, 2 (RMSE2). Identifiers: MedGen C1867234, MONDO:0859046, OMIM 180295.
DICER1-related tumor predisposition. Also called: DICER1-related pleuropulmonary blastoma cancer predisposition syndrome; DICER1 syndrome. Identifiers: Orphanet 284343, MedGen C3839822, MONDO:0100216.
DICER1-related disorder. Also called: DICER1-related condition.

Allele frequency attached by ClinVar (database versions not stated): gnomAD exomes 0.00001; TOPMed 0.00003; gnomAD 0.00001; ExAC 0.00002.
gnomAD v4.1: 36 of 1,614,074 alleles (0.0022%); highest among the groups gnomAD compares: Non-Finnish European, 0.0028%; no homozygotes.

Submissions (6):

Ambry Genetics
Classification: Likely benign for Hereditary cancer-predisposing syndrome. Last evaluated: 2026-08-28. Review status: criteria provided, single submitter. Criteria: Ambry Variant Classification Scheme 2023. Collection method: clinical testing. Allele origin: germline.

PreventionGenetics, part of Exact Sciences
Classification: Uncertain significance for DICER1-related condition. Last evaluated: 2026-03-17. Review status: criteria provided, single submitter. Criteria: ACMG Guidelines, 2015. Collection method: clinical testing. Allele origin: germline.
Comment: The DICER1 c.3778G>A variant is predicted to result in the amino acid substitution p.Val1260Ile. This variant was reported in an individual with papillary thyroid carcinoma (Canberk et al. 2020. PubMed ID: 33718253). This variant is reported in 0.0018% of alleles in individuals of European (Non-Finnish) descent in gnomAD and is classified as uncertain in ClinVar (Variation ID: 412085). At this time, the clinical significance of this variant is uncertain due to the absence of conclusive functional and genetic evidence.

Labcorp Genetics (formerly Invitae), Labcorp
Classification: Uncertain significance for DICER1-related tumor predisposition. Last evaluated: 2025-01-30. Review status: criteria provided, single submitter. Criteria: Invitae Variant Classification Sherloc (09022015). Collection method: clinical testing. Allele origin: germline.
Comment: This sequence change replaces valine, which is neutral and non-polar, with isoleucine, which is neutral and non-polar, at codon 1260 of the DICER1 protein (p.Val1260Ile). This variant is present in population databases (rs763425076, gnomAD 0.002%). This missense change has been observed in individual(s) with papillary thyroid carcinoma (PMID: 33718253). ClinVar contains an entry for this variant (Variation ID: 412085). Invitae Evidence Modeling of protein sequence and biophysical properties (such as structural, functional, and spatial information, amino acid conservation, physicochemical variation, residue mobility, and thermodynamic stability) indicates that this missense variant is not expected to disrupt DICER1 protein function with a negative predictive value of 95%. In summary, the available evidence is currently insufficient to determine the role of this variant in disease. Therefore, it has been classified as a Variant of Uncertain Significance.

Fulgent Genetics
Classification: Uncertain significance for Euthyroid goiter; Rhabdomyosarcoma, embryonal, 2; Pleuropulmonary blastoma; Global developmental delay - lung cysts - overgrowth - Wilms tumor syndrome. Last evaluated: 2024-02-23. Review status: criteria provided, single submitter. Criteria: ACMG Guidelines, 2015. Collection method: clinical testing. Allele origin: germline.

GeneDx
Classification: Uncertain significance. Last evaluated: 2023-07-06. Review status: criteria provided, single submitter. Criteria: GeneDx Variant Classification Process June 2021. Collection method: clinical testing. Allele origin: germline. Affected: yes.
Comment: Not observed at significant frequency in large population cohorts (gnomAD); In silico analysis supports that this missense variant does not alter protein structure/function; Observed in an individual with papillary thyroid carcinoma (Canberk et al., 2021); This variant is associated with the following publications: (PMID: Canberk2022[article], 33718253)

Sema4
Classification: Uncertain significance for Hereditary cancer-predisposing syndrome. Last evaluated: 2021-05-24. Review status: criteria provided, single submitter. Criteria: Sema4 Curation Guidelines. Collection method: curation. Allele origin: germline.
Comment: The DICER1 c.3778G>A (p.V1260I) variant has been reported in heterozygosity in at least one individual with papillary thyroid carcinoma (PMID: 33718253). This variant was observed in 2/113614 chromosomes in the European (non-Finnish) population according to the Genome Aggregation Database (PMID: 32461654) and has been reported in ClinVar (Variation ID: 412085). In silico tools suggest the impact of the variant on protein function is benign, though these predictions have not been confirmed by functional studies. Based on the current evidence available, this variant is interpreted as a variant of uncertain significance.

Literature cited by the submitters: PubMed 33718253 (cited by 3 submitters).

NM_177438.3(DICER1):c.3778G>A (p.Val1260Ile)

Gene: DICER1 (dicer 1, ribonuclease III; minus strand). Cytogenetic location: 14q32.13.
Variant type: single nucleotide variant.
Coding change: c.3778G>A on transcript NM_177438.3 (MANE Select); coding-DNA position 3778, G replaced by A.
Protein change: p.Val1260Ile; replaces valine 1260 with isoleucine.
Molecular consequence: missense variant.
Genome position (GRCh38, 1-based): chr14:95,103,618, C>T on the plus strand (G>A on the coding strand, the complement: DICER1 is on the minus strand). VCF-style: chr14-95103618-C-T. GRCh37 (hg19) VCF-style: chr14-95569955-C-T.
Other names: c.3778G>A, p.Val1260Ile (NM_001195573.1, NM_001271282.3, NM_001291628.2 and 1 more transcripts); short protein forms V1260I.
Identifiers: ClinVar variation 412085 (VCV000412085.18), dbSNP rs763425076, ClinGen allele CA7330992.
Genomic context (GRCh38, chr14:95,103,618, plus strand): 5'-TCTGCTCAGAATCCATCCTGCCCTTGAGCACTTGAATAGTGTCTGTCGTACCAGGCATTA[C>T]GGCCATCACAGGACTTCCATCTGAGGTAGATTTGTTAGCATTTCCATCAAGGTATTTATT-3'
Protein context (NP_803187.1, residues 1250-1270): STSDGSPVMA[Val1260Ile]MPGTTDTIQV